The following is an entry in ClinVar:

NM_000539.3(RHO):c.1025C>T (p.Thr342Met)

Gene: RHO (rhodopsin; plus strand). Cytogenetic location: 3q22.1.
Variant type: single nucleotide variant.
Coding change: c.1025C>T on transcript NM_000539.3 (MANE Select); coding-DNA position 1025, C replaced by T.
Protein change: p.Thr342Met; replaces threonine 342 with methionine.
Molecular consequence: missense variant.
Genome position (GRCh38, 1-based): chr3:129,533,696, C>T. VCF-style: chr3-129533696-C-T. GRCh37 (hg19) VCF-style: chr3-129252539-C-T.
Other names: short protein forms T342M.
Identifiers: ClinVar variation 632397 (VCV000632397.53), dbSNP rs183318466, ClinGen allele CA2607366.

ClinVar aggregate classification (germline): Conflicting classifications of pathogenicity. Review status: criteria provided, conflicting classifications (1 of 4 stars). 4 submissions from 4 submitters: Uncertain significance (3); Likely benign (1). Last evaluated 2025-06-22.

Conditions:
Congenital stationary night blindness autosomal dominant 1. Also called: NIGHT BLINDNESS, CONGENITAL STATIONARY, RHODOPSIN-RELATED. Identifiers: Orphanet 215, MedGen C1864869, MONDO:0012498, OMIM 610445.

Allele frequency attached by ClinVar (database versions not stated): gnomAD 0.00004; TOPMed 0.00004.
gnomAD v4.1: 29 of 1,613,760 alleles (0.0018%); highest among the groups gnomAD compares: African/African-American, 0.0067%; no homozygotes.

Submissions (4):

Labcorp Genetics (formerly Invitae), Labcorp
Classification: Uncertain significance. Last evaluated: 2025-06-22. Review status: criteria provided, single submitter. Criteria: Invitae Variant Classification Sherloc (09022015). Collection method: clinical testing. Allele origin: germline.
Comment: This sequence change replaces threonine, which is neutral and polar, with methionine, which is neutral and non-polar, at codon 342 of the RHO protein (p.Thr342Met). This variant is present in population databases (rs183318466, gnomAD 0.006%). This missense change has been observed in individuals with autosomal dominant retinitis pigmentosa and/or autosomal recessive retinitis pigmentosa (PMID: 14971589, 18175313, 22164218, 31717845). ClinVar contains an entry for this variant (Variation ID: 632397). Invitae Evidence Modeling of protein sequence and biophysical properties (such as structural, functional, and spatial information, amino acid conservation, physicochemical variation, residue mobility, and thermodynamic stability) has been performed for this missense variant. However, the output from this modeling did not meet the statistical confidence thresholds required to predict the impact of this variant on RHO protein function. In summary, the available evidence is currently insufficient to determine the role of this variant in disease. Therefore, it has been classified as a Variant of Uncertain Significance.

Blueprint Genetics
Classification: Uncertain significance. Last evaluated: 2020-11-06. Review status: criteria provided, single submitter. Criteria: ACMG Guidelines, 2015. Collection method: clinical testing. Allele origin: germline.

CeGaT Center for Human Genetics Tuebingen
Classification: Uncertain significance. Last evaluated: 2020-01-01. Review status: criteria provided, single submitter. Criteria: CeGaT Center For Human Genetics Tuebingen Variant Classification Criteria Version 2. Collection method: clinical testing. Allele origin: germline. Affected: yes. Observed: 2 variant alleles.

Illumina Laboratory Services, Illumina
Classification: Likely benign for Congenital stationary night blindness autosomal dominant 1. Last evaluated: 2018-11-26. Review status: criteria provided, single submitter. Criteria: ICSL Variant Classification Criteria 13 December 2019. Collection method: clinical testing. Allele origin: germline.
Comment: This variant was observed as part of a predisposition screen in an ostensibly healthy population. A literature search was performed for the gene, cDNA change, and amino acid change (where applicable). No publications were found based on this search. Allele frequency data from public databases allowed determination this variant is unlikely to cause disease. Therefore, this variant is classified as likely benign.

Literature cited by the submitters: PubMed 14971589 (cited by Labcorp Genetics (formerly Invitae), Labcorp); PubMed 18175313 (cited by Labcorp Genetics (formerly Invitae), Labcorp); PubMed 22164218 (cited by Labcorp Genetics (formerly Invitae), Labcorp); PubMed 31717845 (cited by Labcorp Genetics (formerly Invitae), Labcorp).